The following is an entry in ClinVar:

ClinVar aggregate classification (germline): Uncertain significance (1 of 4 stars; one submission).

Allele frequency attached by ClinVar (database versions not stated): gnomAD exomes 0.00001; ExAC 0.00002; TOPMed 0.00003.
gnomAD v4.1: 10 of 1,613,284 alleles (0.00062%); highest among the groups gnomAD compares: African/African-American, 0.0027%; no homozygotes.

Submission:

Labcorp Genetics (formerly Invitae), Labcorp
Classification: Uncertain significance. Last evaluated: 2025-08-21. Review status: criteria provided, single submitter. Criteria: Invitae Variant Classification Sherloc (09022015). Collection method: clinical testing. Allele origin: germline.
Comment: This sequence change replaces alanine, which is neutral and non-polar, with threonine, which is neutral and polar, at codon 1652 of the CACNA1B protein (p.Ala1652Thr). This variant is present in population databases (rs201482735, gnomAD 0.007%). This variant has not been reported in the literature in individuals affected with CACNA1B-related conditions. ClinVar contains an entry for this variant (Variation ID: 1937882). Invitae Evidence Modeling of protein sequence and biophysical properties (such as structural, functional, and spatial information, amino acid conservation, physicochemical variation, residue mobility, and thermodynamic stability) indicates that this missense variant is expected to disrupt CACNA1B protein function with a positive predictive value of 80%. In summary, the available evidence is currently insufficient to determine the role of this variant in disease. Therefore, it has been classified as a Variant of Uncertain Significance.

NM_000718.4(CACNA1B):c.4954G>A (p.Ala1652Thr)

Gene: CACNA1B (calcium voltage-gated channel subunit alpha1 B; plus strand). Cytogenetic location: 9q34.3.
Variant type: single nucleotide variant.
Coding change: c.4954G>A on transcript NM_000718.4 (MANE Select); coding-DNA position 4954, G replaced by A.
Protein change: p.Ala1652Thr; replaces alanine 1652 with threonine.
Molecular consequence: missense variant.
Genome position (GRCh38, 1-based): chr9:138,078,118, G>A. VCF-style: chr9-138078118-G-A. GRCh37 (hg19) VCF-style: chr9-140972570-G-A.
Other names: c.4954G>A, p.Ala1652Thr (NM_001243812.2); short protein forms A1652T.
Identifiers: ClinVar variation 1937882 (VCV001937882.3), dbSNP rs201482735, ClinGen allele CA5377228.